The following is an entry in ClinVar:

NM_001330078.2(NRXN1):c.2336C>T (p.Thr779Met)

Gene: NRXN1 (neurexin 1; minus strand). Cytogenetic location: 2p16.3.
Variant type: single nucleotide variant.
Coding change: c.2336C>T on transcript NM_001330078.2 (MANE Select); coding-DNA position 2336, C replaced by T.
Protein change: p.Thr779Met; replaces threonine 779 with methionine.
Molecular consequence: missense variant.
Genome position (GRCh38, 1-based): chr2:50,531,238, G>A on the plus strand (C>T on the coding strand, the complement: NRXN1 is on the minus strand). VCF-style: chr2-50531238-G-A. GRCh37 (hg19) VCF-style: chr2-50758376-G-A.
Other names: c.2456C>T, p.Thr819Met (NM_001135659.3); c.2312C>T, p.Thr771Met (NM_001330077.2, NM_001330082.2, NM_001330095.2); c.2297C>T, p.Thr766Met (NM_001330083.2, NM_001330084.2); c.2336C>T, p.Thr779Met (NM_001330085.2, NM_001330086.2, NM_004801.6); c.2252C>T, p.Thr751Met (NM_001330087.2, NM_001330096.2); c.2282C>T, p.Thr761Met (NM_001330088.2); c.2333C>T, p.Thr778Met (NM_001330093.2); c.2324C>T, p.Thr775Met (NM_001330094.2); short protein forms T751M, T778M, T779M, T761M, T766M, T771M, T819M, T775M.
Identifiers: ClinVar variation 840973 (VCV000840973.12), dbSNP rs200391188, ClinGen allele CA1654870.

ClinVar aggregate classification (germline): Uncertain significance. Review status: criteria provided, multiple submitters, no conflicts (2 of 4 stars). 3 submissions from 3 submitters: Uncertain significance (3). Last evaluated 2025-09-08.

Conditions:
Inborn genetic diseases. Identifiers: MedGen C0950123, MeSH D030342.
Pitt-Hopkins-like syndrome 2 (PTHSL2). Identifiers: Orphanet 221150, Orphanet 600663, MedGen C3280479, MONDO:0013690, OMIM 614325.

Allele frequency attached by ClinVar (database versions not stated): TOPMed 0.00001; gnomAD exomes 0.00004 and 0.00005; ExAC 0.00012.
gnomAD v4.1: 28 of 1,612,554 alleles (0.0017%); highest among the groups gnomAD compares: East Asian, 0.022%; no homozygotes.

Submissions (3):

Labcorp Genetics (formerly Invitae), Labcorp
Classification: Uncertain significance for Pitt-Hopkins-like syndrome 2. Last evaluated: 2025-09-08. Review status: criteria provided, single submitter. Criteria: Invitae Variant Classification Sherloc (09022015). Collection method: clinical testing. Allele origin: germline.
Comment: This sequence change replaces threonine, which is neutral and polar, with methionine, which is neutral and non-polar, at codon 819 of the NRXN1 protein (p.Thr819Met). This variant is present in population databases (rs200391188, gnomAD 0.03%). This variant has not been reported in the literature in individuals affected with NRXN1-related conditions. This variant is also known as T779M. ClinVar contains an entry for this variant (Variation ID: 840973). An algorithm developed to predict the effect of missense changes on protein structure and function (PolyPhen-2) suggests that this variant is likely to be disruptive. Experimental studies have shown that this missense change does not substantially affect NRXN1 function (PMID: 32942984). In summary, the available evidence is currently insufficient to determine the role of this variant in disease. Therefore, it has been classified as a Variant of Uncertain Significance.

GeneDx
Classification: Uncertain significance. Last evaluated: 2025-05-21. Review status: criteria provided, single submitter. Criteria: GeneDx Variant Classification Process June 2021. Collection method: clinical testing. Allele origin: germline. Affected: yes.
Comment: In silico analysis supports that this missense variant has a deleterious effect on protein structure/function; Missense variant in a gene in which most reported pathogenic variants are truncating/loss of function; Has not been previously published as pathogenic or benign to our knowledge; This variant is associated with the following publications: (PMID: 32942984)

Ambry Genetics
Classification: Uncertain significance for Inborn genetic diseases. Last evaluated: 2019-05-24. Review status: criteria provided, single submitter. Criteria: Ambry Variant Classification Scheme 2023. Collection method: clinical testing. Allele origin: germline.
Comment: The p.T819M variant (also known as c.2456C>T), located in coding exon 11 of the NRXN1 gene, results from a C to T substitution at nucleotide position 2456. The threonine at codon 819 is replaced by methionine, an amino acid with similar properties. This amino acid position is highly conserved in available vertebrate species. In addition, this alteration is predicted to be deleterious by in silico analysis. Since supporting evidence is limited at this time, the clinical significance of this alteration remains unclear.

Literature cited by the submitters: PubMed 32942984 (cited by Labcorp Genetics (formerly Invitae), Labcorp).